The following is an entry in ClinVar:

NM_001130987.2(DYSF):c.5718C>G (p.Phe1906Leu)

Gene: DYSF (dysferlin; plus strand). Cytogenetic location: 2p13.2.
Variant type: single nucleotide variant.
Coding change: c.5718C>G on transcript NM_001130987.2 (MANE Select); coding-DNA position 5718, C replaced by G.
Protein change: p.Phe1906Leu; replaces phenylalanine 1906 with leucine.
Molecular consequence: missense variant.
Genome position (GRCh38, 1-based): chr2:71,669,680, C>G. VCF-style: chr2-71669680-C-G. GRCh37 (hg19) VCF-style: chr2-71896810-C-G.
Other names: c.5604C>G, p.Phe1868Leu (NM_001130455.2); c.5559C>G, p.Phe1853Leu (NM_001130976.2); c.5622C>G, p.Phe1874Leu (NM_001130977.2); c.5664C>G, p.Phe1888Leu (NM_001130978.2); c.5694C>G, p.Phe1898Leu (NM_001130979.2); c.5652C>G, p.Phe1884Leu (NM_001130980.2); c.5715C>G, p.Phe1905Leu (NM_001130981.2); c.5697C>G, p.Phe1899Leu (NM_001130982.2); and 5 more; short protein forms F1853L, F1854L, F1867L, F1868L, F1874L, F1875L, F1884L, F1885L.
Identifiers: ClinVar variation 1184483 (VCV001184483.9), dbSNP rs1233961202, ClinGen allele CA347223820.

ClinVar aggregate classification (germline): Pathogenic/Likely pathogenic. Review status: criteria provided, multiple submitters, no conflicts (2 of 4 stars). 3 submissions from 3 submitters: Pathogenic (1); Likely pathogenic (1). 1 of the submissions does not count toward it. Last evaluated 2025-07-15.

Conditions:
Neuromuscular disease caused by qualitative or quantitative defects of dysferlin. Also called: Qualitative or quantitative defects of dysferlin; Dysferlinopathy. Identifiers: Orphanet 207073, MedGen C2931687, MONDO:0016145.
Autosomal recessive limb-girdle muscular dystrophy type 2B (LGMDR2). Also called: Limb-Girdle Muscular Dystrophy Type 2B (LGMD2B); MUSCULAR DYSTROPHY, LIMB-GIRDLE, TYPE 3; MUSCULAR DYSTROPHY, LIMB-GIRDLE, AUTOSOMAL RECESSIVE 2; Limb-girdle muscular dystrophy, type 2B. Identifiers: Orphanet 268, MedGen C1850889, MONDO:0009676, OMIM 253601.
Autosomal recessive limb-girdle muscular dystrophy. Identifiers: Orphanet 102015, MedGen C2931907, MONDO:0015152.

Allele frequency attached by ClinVar (database versions not stated): gnomAD exomes 0.00001; TOPMed 0.00001.

Submissions (3):

Women's Health and Genetics/Laboratory Corporation of America, LabCorp
Classification: Likely pathogenic for Autosomal recessive limb-girdle muscular dystrophy. Last evaluated: 2025-07-15. Review status: criteria provided, single submitter. Criteria: LabCorp Variant Classification Summary - May 2015. Collection method: clinical testing. Allele origin: germline.
Comment: Variant summary: DYSF c.5601C>G (p.Phe1867Leu) results in a non-conservative amino acid change in the encoded protein sequence. Algorithms developed to predict the effect of missense changes on protein structure and function all suggest that this variant is likely to be disruptive. The variant was absent in 251496 control chromosomes. To our knowledge, no occurrence of c.5601C>G in individuals affected with Limb-Girdle Muscular Dystrophy, Autosomal Recessive and no experimental evidence demonstrating its impact on protein function have been reported. A different variant resulting in the same protein effect (c.5601C>A, p.F1867L) has been determined to be likely pathogenic/pathogenic by our laboratory, strongly suggesting this missense change is deleterious to DYSF protein function. The following publications have been ascertained in the context of this evaluation (PMID: 34758253, 21392994). ClinVar contains an entry for this variant (Variation ID: 1184483). Based on the evidence outlined above, the variant was classified as likely pathogenic.

Labcorp Genetics (formerly Invitae), Labcorp
Classification: Pathogenic for Neuromuscular disease caused by qualitative or quantitative defects of dysferlin. Last evaluated: 2022-04-26. Review status: criteria provided, single submitter. Criteria: Invitae Variant Classification Sherloc (09022015). Collection method: clinical testing. Allele origin: germline.
Comment: For these reasons, this variant has been classified as Pathogenic. Advanced modeling of protein sequence and biophysical properties (such as structural, functional, and spatial information, amino acid conservation, physicochemical variation, residue mobility, and thermodynamic stability) performed at Invitae indicates that this missense variant is expected to disrupt DYSF protein function. This sequence change replaces phenylalanine, which is neutral and non-polar, with leucine, which is neutral and non-polar, at codon 1867 of the DYSF protein (p.Phe1867Leu). This variant is present in population databases (no rsID available, gnomAD 0.007%). This missense change has been observed in individual(s) with Myoshi myopathy (PMID: 21392994). In at least one individual the data is consistent with being in trans (on the opposite chromosome) from a pathogenic variant. ClinVar contains an entry for this variant (Variation ID: 1184483).

Genomics England Pilot Project, Genomics England
Classification: Likely pathogenic for Autosomal recessive limb-girdle muscular dystrophy type 2B. Review status: no assertion criteria provided. Criteria: ACGS Guidelines, 2016. Collection method: clinical testing. Allele origin: germline. Affected: yes. Not counted in ClinVar's aggregate classification.

Literature cited by the submitters: PubMed 34758253 (cited by Women's Health and Genetics/Laboratory Corporation of America, LabCorp); PubMed 21392994 (cited by Women's Health and Genetics/Laboratory Corporation of America, LabCorp and Labcorp Genetics (formerly Invitae), Labcorp).